The following is an entry in ClinVar:

NM_001164508.2(NEB):c.18580-8_18608del

Gene: NEB (nebulin; minus strand). Cytogenetic location: 2q23.3.
Variant type: Deletion.
Coding change: c.18580-8_18608del on transcript NM_001164508.2 (MANE Select); 8 bases into the intron before coding-DNA position 18580 through coding-DNA position 18608, 37 bases deleted.
Molecular consequence: splice acceptor variant.
Genome position (GRCh38, 1-based): chr2:151,563,691-151,563,727, 37 bases deleted; deleting any 37 consecutive bases within chr2:151,563,691-151,563,729 gives the same sequence; the c. name uses the placement nearest the transcript's 3' end. GRCh37 (hg19): chr2:152,420,207-152,420,243.
Other names: c.13477-8_13505del (NM_004543.5); c.18580-8_18608del (NM_001164507.2, NM_001271208.2).
Identifiers: ClinVar variation 2692855 (VCV002692855.3), dbSNP rs2552191223, ClinGen allele CA2697551160.

ClinVar aggregate classification (germline): Likely pathogenic (1 of 4 stars; one submission).

Conditions:
Nemaline myopathy 2 (NEM2). Also called: Nemaline myopathy 2, autosomal recessive. Identifiers: MedGen C1850569, MONDO:0009725, OMIM 256030.

Submission:

Labcorp Genetics (formerly Invitae), Labcorp
Classification: Likely pathogenic for Nemaline myopathy 2. Last evaluated: 2023-11-02. Review status: criteria provided, single submitter. Criteria: Invitae Variant Classification Sherloc (09022015). Collection method: clinical testing. Allele origin: germline.
Comment: This variant results in the deletion of part of exon 119 (c.18580-8_18608del) of the NEB gene. It is expected to disrupt RNA splicing. Variants that disrupt the donor or acceptor splice site typically lead to a loss of protein function (PMID: 16199547), and loss-of-function variants in NEB are known to be pathogenic (PMID: 25205138). This variant is not present in population databases (gnomAD no frequency). This variant has not been reported in the literature in individuals affected with NEB-related conditions. In summary, the currently available evidence indicates that the variant is pathogenic, but additional data are needed to prove that conclusively. Therefore, this variant has been classified as Likely Pathogenic.

Literature cited by the submitters: PubMed 16199547; PubMed 25205138.